The following is an entry in ClinVar:

ClinVar aggregate classification (germline): Uncertain significance (1 of 4 stars; one submission).

Allele frequency attached by ClinVar (database versions not stated): ExAC 0.00001; gnomAD 0.00001; gnomAD exomes 0.00001.
gnomAD v4.1: 11 of 1,614,128 alleles (0.00068%); highest among the groups gnomAD compares: Admixed American, 0.0033%; no homozygotes.

Submission:

Labcorp Genetics (formerly Invitae), Labcorp
Classification: Uncertain significance. Last evaluated: 2022-08-23. Review status: criteria provided, single submitter. Criteria: Invitae Variant Classification Sherloc (09022015). Collection method: clinical testing. Allele origin: germline.
Comment: This sequence change replaces glutamic acid, which is acidic and polar, with lysine, which is basic and polar, at codon 188 of the FOXI1 protein (p.Glu188Lys). This variant is present in population databases (rs773987289, gnomAD 0.003%). In summary, the available evidence is currently insufficient to determine the role of this variant in disease. Therefore, it has been classified as a Variant of Uncertain Significance. Algorithms developed to predict the effect of missense changes on protein structure and function are either unavailable or do not agree on the potential impact of this missense change (SIFT: "Deleterious"; PolyPhen-2: "Possibly Damaging"; Align-GVGD: "Class C15"). ClinVar contains an entry for this variant (Variation ID: 1365888). This variant has not been reported in the literature in individuals affected with FOXI1-related conditions.

NM_012188.5(FOXI1):c.562G>A (p.Glu188Lys)

Gene: FOXI1 (forkhead box I1; plus strand). Cytogenetic location: 5q35.1.
Variant type: single nucleotide variant.
Coding change: c.562G>A on transcript NM_012188.5 (MANE Select); coding-DNA position 562, G replaced by A.
Protein change: p.Glu188Lys; replaces glutamic acid 188 with lysine.
Molecular consequence: missense variant.
Genome position (GRCh38, 1-based): chr5:170,106,519, G>A. VCF-style: chr5-170106519-G-A. GRCh37 (hg19) VCF-style: chr5-169533523-G-A.
Other names: c.562G>A, p.Glu188Lys (NM_144769.4); short protein forms E188K.
Identifiers: ClinVar variation 1365888 (VCV001365888.6), dbSNP rs773987289, ClinGen allele CA3555047.